The following is an entry in ClinVar:

NM_005428.4(VAV1):c.1853G>A (p.Arg618Gln)

Gene: VAV1 (vav guanine nucleotide exchange factor 1; plus strand). Cytogenetic location: 19p13.3.
Variant type: single nucleotide variant.
Coding change: c.1853G>A on transcript NM_005428.4 (MANE Select); coding-DNA position 1853, G replaced by A.
Protein change: p.Arg618Gln; replaces arginine 618 with glutamine.
Molecular consequence: missense variant.
Genome position (GRCh38, 1-based): chr19:6,836,507, G>A. VCF-style: chr19-6836507-G-A. GRCh37 (hg19) VCF-style: chr19-6836518-G-A.
Other names: c.1853G>A, p.Arg618Gln (NM_001258206.2); c.1757G>A, p.Arg586Gln (NM_001258207.2); short protein forms R586Q, R618Q.
Identifiers: ClinVar variation 1522303 (VCV001522303.8), dbSNP rs771801566, ClinGen allele CA9132761.

ClinVar aggregate classification (germline): Uncertain significance (1 of 4 stars; one submission).

Allele frequency attached by ClinVar (database versions not stated): TOPMed 0.00001; ExAC 0.00002; gnomAD exomes 0.00002.
gnomAD v4.1: 38 of 1,613,862 alleles (0.0024%); highest among the groups gnomAD compares: Non-Finnish European, 0.0028%; no homozygotes.

Submission:

Labcorp Genetics (formerly Invitae), Labcorp
Classification: Uncertain significance. Last evaluated: 2022-12-04. Review status: criteria provided, single submitter. Criteria: Invitae Variant Classification Sherloc (09022015). Collection method: clinical testing. Allele origin: germline.
Comment: This sequence change replaces arginine, which is basic and polar, with glutamine, which is neutral and polar, at codon 618 of the VAV1 protein (p.Arg618Gln). This variant is present in population databases (rs771801566, gnomAD 0.006%). This variant has not been reported in the literature in individuals affected with VAV1-related conditions. ClinVar contains an entry for this variant (Variation ID: 1522303). Algorithms developed to predict the effect of missense changes on protein structure and function (SIFT, PolyPhen-2, Align-GVGD) all suggest that this variant is likely to be tolerated. In summary, the available evidence is currently insufficient to determine the role of this variant in disease. Therefore, it has been classified as a Variant of Uncertain Significance.